The following is an entry in ClinVar:

NM_001009944.3(PKD1):c.948C>T (p.Ala316=)

Gene: PKD1 (polycystin 1, transient receptor potential channel interacting; minus strand). Cytogenetic location: 16p13.3.
Variant type: single nucleotide variant.
Coding change: c.948C>T on transcript NM_001009944.3 (MANE Select); coding-DNA position 948, C replaced by T.
Protein change: p.Ala316=; no amino-acid change (alanine 316 retained).
Molecular consequence: synonymous variant.
Genome position (GRCh38, 1-based): chr16:2,118,044, G>A on the plus strand (C>T on the coding strand, the complement: PKD1 is on the minus strand). VCF-style: chr16-2118044-G-A. GRCh37 (hg19) VCF-style: chr16-2168045-G-A.
Other names: c.948C>T, p.Ala316= (NM_000296.4).
Identifiers: ClinVar variation 3045984 (VCV003045984.3), dbSNP rs771201076, ClinGen allele CA493050374.

ClinVar aggregate classification (germline): Likely benign. Review status: criteria provided, single submitter (1 of 4 stars). 2 submissions from 2 submitters: Likely benign (1). 1 of the submissions does not count toward it. Last evaluated 2024-11-13.

Conditions:
PKD1-related disorder. Also called: PKD1-related condition.

Allele frequency attached by ClinVar (database versions not stated): gnomAD 0.00001; TOPMed 0.00001.
gnomAD v4.1: 82 of 1,603,158 alleles (0.0051%); highest among the groups gnomAD compares: South Asian, 0.013%; no homozygotes.

Submissions (2):

Blueprint Genetics
Classification: Likely benign. Last evaluated: 2024-11-13. Review status: criteria provided, single submitter. Criteria: ACMG Guidelines, 2015. Collection method: clinical testing. Allele origin: germline.

PreventionGenetics, part of Exact Sciences
Classification: Likely benign for PKD1-related condition. Last evaluated: 2019-10-09. Review status: no assertion criteria provided. Collection method: clinical testing. Allele origin: germline. Not counted in ClinVar's aggregate classification.
Comment: This variant is classified as likely benign based on ACMG/AMP sequence variant interpretation guidelines (Richards et al. 2015 PMID: 25741868, with internal and published modifications).